The following continues an entry in ClinVar:

NM_000317.3(PTS):c.200C>T (p.Thr67Met)

Gene: PTS. ClinVar aggregate classification (germline): Pathogenic. Pathogenic (11).

Submissions 11 to 13 of 13:

Neuberg Centre For Genomic Medicine, NCGM
Classification: Pathogenic for 6-Pyruvoyl-tetrahydrobiopterin synthase deficiency. Review status: criteria provided, single submitter. Criteria: ACMG Guidelines, 2015. Collection method: clinical testing. Allele origin: germline. Inheritance: Autosomal recessive inheritance. Affected: yes.
Comment: The PTS c.200C>T; p.Thr67Met variant has previously been reported in the homozygous and compound heterozygous state in several individuals affected with hyperphenylalaninemia (Oppliger T et. al.; Dudesek A et. al.). Experimental studies have shown that this missense change reduces PTS enzymatic activity (Oppliger T et. al.; Dudesek A et. al.). The p.Thr67Met variant is novel (not in any individuals) in 1000 Genomes and has a frequency of 0.007% in the gnomAD database. This variant has been reported to the ClinVar database as Pathogenic. The amino acid Thr at position 67 is changed to a Met changing protein sequence and it might alter its composition and physico-chemical properties. The variant is predicted to be damaging by both SIFT and PolyPhen2. The residue is conserved across species. The amino acid change p.Thr67Met in PTS is predicted as conserved by GERP++ and PhyloP across 100 vertebrates. For these reasons, this variant has been classified as Pathogenic

Genetics and Genomic Medicine Centre, NeuroGen Healthcare, NeuroGen Healthcare
Classification: Pathogenic. Last evaluated: 2021-07-07. Review status: no assertion criteria provided. Collection method: clinical testing. Allele origin: unknown. Affected: yes. Not counted in ClinVar's aggregate classification.

Counsyl
Classification: Pathogenic for 6-Pyruvoyl-tetrahydrobiopterin synthase deficiency. Last evaluated: 2017-08-15. Review status: no assertion criteria provided. Collection method: clinical testing. Allele origin: unknown. Not counted in ClinVar's aggregate classification.

Literature cited by the submitters: PubMed 16850690 (cited by 3billion and Labcorp Genetics (formerly Invitae), Labcorp); PubMed 11438997 (cited by 3 submitters); PubMed 9222757 (cited by 4 submitters); PubMed 11388593 (cited by 3 submitters); PubMed 11694255 (cited by 3billion and Labcorp Genetics (formerly Invitae), Labcorp); PubMed 33234470 (cited by Natera, Inc.); PubMed 23942198 (cited by Natera, Inc. and Counsyl); PubMed 28924877 (cited by Natera, Inc.); PubMed 20059486 (cited by Natera, Inc. and Counsyl); PubMed 30109838 (cited by Natera, Inc. and Women's Health and Genetics/Laboratory Corporation of America, LabCorp); PubMed 22237589 (cited by Labcorp Genetics (formerly Invitae), Labcorp); PubMed 25758715 (cited by Labcorp Genetics (formerly Invitae), Labcorp and Counsyl); PubMed 32651154 (cited by Victorian Clinical Genetics Services, Murdoch Childrens Research Institute); PubMed 32905092 (cited by Victorian Clinical Genetics Services, Murdoch Childrens Research Institute); PubMed 30926181 (cited by Women's Health and Genetics/Laboratory Corporation of America, LabCorp); PubMed 25525159 (cited by Counsyl); PubMed 25456745 (cited by Counsyl).